The following is an entry in ClinVar:

NM_000466.3(PEX1):c.3403dup (p.Glu1135fs)

Genes: GATAD1 (GATA zinc finger domain containing 1; plus strand), PEX1 (peroxisomal biogenesis factor 1; minus strand). Cytogenetic location: 7q21.2.
Variant type: Duplication.
Coding change: c.3403dup on transcript NM_000466.3 (MANE Select); coding-DNA position 3403, one base duplicated (G; older notation c.3403dupG).
Protein change: p.Glu1135fs; shifts the reading frame from glutamic acid 1135.
Molecular consequence: frameshift variant.
Genome position (GRCh38, 1-based): chr7:92,491,307, C duplicated on the plus strand (G on the coding strand, the reverse complement: PEX1 is on the minus strand). VCF-style (leftmost placement, unchanged base first): chr7-92491306-T-TC. GRCh37 (hg19) VCF-style: chr7-92120620-T-TC.
Other names: c.3232dup, p.Glu1078fs (NM_001282677.2); c.2779dup, p.Glu927fs (NM_001282678.2); short protein forms E1078fs, E1135fs, E927fs.
Identifiers: ClinVar variation 5014677 (VCV005014677.1).
Genomic context (GRCh38, chr7:92,491,306, plus strand): 5'-TGTATAATGATGACTGCACAAGATACCAAATCAGAAGAGGTTCCATTTCCAAGTTCTGAT[T>TC]CATAAGAGCTTCCAAAGTAGAGCCGGTACATATTGAATTTTGATTCATCTGGAAGGATCT-3'

ClinVar aggregate classification (germline): Pathogenic (1 of 4 stars; one submission).

Conditions:
Peroxisome biogenesis disorder. Identifiers: Orphanet 79189, MedGen C1832200, MONDO:0019234. Disease mechanism: loss of function.

Submission:

Myriad Genetics, Inc.
Classification: Pathogenic for Peroxisome biogenesis disorder. Last evaluated: 2025-07-02. Review status: criteria provided, single submitter. Criteria: Myriad Autosomal Dominant, Autosomal Recessive and X-Linked Classification Criteria (2023). Collection method: clinical testing. Allele origin: unknown.
Comment: NM_000466.2(PEX1):c.3403dupG(E1135Gfs*11) is expected to be pathogenic in the context of peroxisome biogenesis disorder type 1. This variant is predicted to lead to an abnormal or absent protein product due to the creation of a premature termination codon in PEX1, a gene where loss-of-function variants are known to be pathogenic. Please note: this variant was assessed in the context of healthy population screening.